The following is an entry in ClinVar:

ClinVar aggregate classification (germline): Pathogenic. Review status: criteria provided, single submitter (1 of 4 stars). 2 submissions from 2 submitters: Pathogenic (1). 1 of the submissions does not count toward it. Last evaluated 2015-09-14.

Conditions:
Parkinson disease, X-linked dominant. Also called: X-linked dominant Parkinson's disease. Identifiers: MedGen CN234611.
Early-onset parkinsonism-intellectual disability syndrome (WSMN). Also called: BASAL GANGLION DISORDER WITH MENTAL RETARDATION; X-linked recessive basal ganglia disorder with mental retardation; Laxova Brown Hogan syndrome; Basal ganglia disorder with mental retardation. Identifiers: Orphanet 2379, MedGen C0796195, MONDO:0010709, OMIM 311510.

Submissions (2):

Zabetian_UW Neurogenetics Lab, University of Washington/VAPSHCS
Classification: Pathogenic for X-linked dominant Parkinson's disease. Last evaluated: 2015-09-14. Review status: criteria provided, single submitter. Criteria: submitters publication. Collection method: research. Allele origin: germline. Inheritance: X-linked inheritance. Affected: yes. Observed: 9 variant alleles. Study: Parkinson’s Genetic Research Study (PaGeR).
Comment: It segregates with disease in the family, affects a highly conserved amino acid, and functional work whos that this mutation alters the intracellular localization of the protein.

OMIM
Classification: Pathogenic for WAISMAN SYNDROME. Last evaluated: 2015-09-24. Review status: no assertion criteria provided. Collection method: literature only. Allele origin: germline. Not counted in ClinVar's aggregate classification.

Literature cited by the submitters: PubMed 26399558 (cited by OMIM).

NM_171998.4(RAB39B):c.574G>A (p.Gly192Arg)

Gene: RAB39B (RAB39B, member RAS oncogene family; minus strand). Cytogenetic location: Xq28.
Variant type: single nucleotide variant.
Coding change: c.574G>A on transcript NM_171998.4 (MANE Select); coding-DNA position 574, G replaced by A.
Protein change: p.Gly192Arg; replaces glycine 192 with arginine.
Molecular consequence: missense variant.
Genome position (GRCh38, 1-based): chrX:155,260,871, C>T on the plus strand (G>A on the coding strand, the complement: RAB39B is on the minus strand). VCF-style: chrX-155260871-C-T. GRCh37 (hg19) VCF-style: chrX-154490156-C-T.
Other names: short protein forms G192R.
Identifiers: ClinVar variation 218362 (VCV000218362.3), dbSNP rs864309527, ClinGen allele CA248590.